The following is an entry in ClinVar:

ClinVar aggregate classification (germline): Uncertain significance (1 of 4 stars; one submission).

Conditions:
Microcephaly-intellectual disability-sensorineural hearing loss-epilepsy-abnormal muscle tone syndrome (NEDHSB). Also called: NEURODEVELOPMENTAL DISORDER WITH HEARING LOSS, SEIZURES, AND BRAIN ABNORMALITIES. Identifiers: Orphanet 457351, MedGen C4225276, MONDO:0014698, OMIM 616577.

Submission:

Juno Genomics, Hangzhou Juno Genomics, Inc
Classification: Uncertain significance for Microcephaly-intellectual disability-sensorineural hearing loss-epilepsy-abnormal muscle tone syndrome. Review status: criteria provided, single submitter. Criteria: ACMG Guidelines, 2015. Collection method: clinical testing. Allele origin: germline.
Comment: Absent from controls (or at extremely low frequency if recessive) in Genome Aggregation Database.

NM_145207.3(AFG2A):c.2300C>T (p.Thr767Ile)

Gene: AFG2A (AAA ATPase AFG2A; plus strand). Cytogenetic location: 4q28.1.
Variant type: single nucleotide variant.
Coding change: c.2300C>T on transcript NM_145207.3 (MANE Select); coding-DNA position 2300, C replaced by T.
Protein change: p.Thr767Ile; replaces threonine 767 with isoleucine.
Molecular consequence: missense variant.
Genome position (GRCh38, 1-based): chr4:123,090,665, C>T. VCF-style: chr4-123090665-C-T. GRCh37 (hg19) VCF-style: chr4-124011820-C-T.
Other names: c.2297C>T, p.Thr766Ile (NM_001345856.2); c.2369C>T, p.Thr790Ile (NM_001437913.1); c.2372C>T, p.Thr791Ile (NM_001438322.1); short protein forms T790I, T791I, T766I, T767I.
Identifiers: ClinVar variation 5006728 (VCV005006728.2).